The following is an entry in ClinVar:

NM_000263.4(NAGLU):c.525G>A (p.Trp175Ter)

Gene: NAGLU (N-acetyl-alpha-glucosaminidase; plus strand). Cytogenetic location: 17q21.2.
Variant type: single nucleotide variant.
Coding change: c.525G>A on transcript NM_000263.4 (MANE Select); coding-DNA position 525, G replaced by A.
Protein change: p.Trp175Ter; replaces tryptophan 175 with a stop codon.
Molecular consequence: nonsense.
Genome position (GRCh38, 1-based): chr17:42,537,539, G>A. VCF-style: chr17-42537539-G-A. GRCh37 (hg19) VCF-style: chr17-40689557-G-A.
Other names: short protein forms W175*.
Identifiers: ClinVar variation 1432786 (VCV001432786.6), dbSNP rs2143082538, ClinGen allele CA399598301.

ClinVar aggregate classification (germline): Pathogenic (1 of 4 stars; one submission).

Conditions:
Mucopolysaccharidosis, MPS-III-B (MPS3B). Also called: N-ACETYL-ALPHA-D-GLUCOSAMINIDASE DEFICIENCY; NAGLU DEFICIENCY; SANFILIPPO SYNDROME B; MPS III B; MPS IIIB (Sanfilippo Syndrome Type B); MUCOPOLYSACCHARIDOSIS, TYPE IIIB. Identifiers: Orphanet 79270, MedGen C0086648, MONDO:0009656, OMIM 252920.
Charcot-Marie-Tooth disease axonal type 2V. Also called: CHARCOT-MARIE-TOOTH NEUROPATHY, TYPE 2V; CHARCOT-MARIE-TOOTH DISEASE, AXONAL, AUTOSOMAL DOMINANT, TYPE 2V. Identifiers: Orphanet 447964, MedGen C5569050, MONDO:0014665, OMIM 616491.

Submission:

Labcorp Genetics (formerly Invitae), Labcorp
Classification: Pathogenic for Charcot-Marie-Tooth disease axonal type 2V; Mucopolysaccharidosis, MPS-III-B. Last evaluated: 2020-11-01. Review status: criteria provided, single submitter. Criteria: Invitae Variant Classification Sherloc (09022015). Collection method: clinical testing. Allele origin: germline.
Comment: For these reasons, this variant has been classified as Pathogenic. This variant has not been reported in the literature in individuals with NAGLU-related conditions. This variant is not present in population databases (ExAC no frequency). This sequence change creates a premature translational stop signal (p.Trp175*) in the NAGLU gene. It is expected to result in an absent or disrupted protein product. Loss-of-function variants in NAGLU are known to be pathogenic (PMID: 9832037, 10094189, 16151907).

Literature cited by the submitters: PubMed 9832037; PubMed 10094189; PubMed 16151907.